The following is an entry in ClinVar:

ClinVar aggregate classification (germline): Uncertain significance (1 of 4 stars; one submission).

Allele frequency attached by ClinVar (database versions not stated): gnomAD exomes below 0.00001 and 0.00003; gnomAD 0.00001 and 0.00002; ExAC 0.00002; TOPMed 0.00005.
gnomAD v4.1: 8 of 1,613,996 alleles (0.0005%); highest among the groups gnomAD compares: East Asian, 0.013%; no homozygotes.

Submission:

Labcorp Genetics (formerly Invitae), Labcorp
Classification: Uncertain significance. Last evaluated: 2025-03-10. Review status: criteria provided, single submitter. Criteria: Invitae Variant Classification Sherloc (09022015). Collection method: clinical testing. Allele origin: germline.
Comment: This sequence change replaces glutamic acid, which is acidic and polar, with lysine, which is basic and polar, at codon 2065 of the VCAN protein (p.Glu2065Lys). This variant is present in population databases (rs750641712, gnomAD 0.04%). This variant has not been reported in the literature in individuals affected with VCAN-related conditions. ClinVar contains an entry for this variant (Variation ID: 1353558). An algorithm developed to predict the effect of missense changes on protein structure and function outputs the following: PolyPhen-2: "Benign". The lysine amino acid residue is found in multiple mammalian species, which suggests that this missense change does not adversely affect protein function. In summary, the available evidence is currently insufficient to determine the role of this variant in disease. Therefore, it has been classified as a Variant of Uncertain Significance.

NM_004385.5(VCAN):c.6193G>A (p.Glu2065Lys)

Genes: VCAN (versican; plus strand), VCAN-AS1 (VCAN antisense RNA 1; minus strand). Cytogenetic location: 5q14.3.
Variant type: single nucleotide variant.
Coding change: c.6193G>A on transcript NM_004385.5 (MANE Select); coding-DNA position 6193, G replaced by A.
Protein change: p.Glu2065Lys; replaces glutamic acid 2065 with lysine.
Molecular consequence: missense variant. On other transcripts: intron variant (2).
Genome position (GRCh38, 1-based): chr5:83,539,196, G>A. VCF-style: chr5-83539196-G-A. GRCh37 (hg19) VCF-style: chr5-82835015-G-A.
Other names: c.3232G>A, p.Glu1078Lys (NM_001164097.2); c.4004-6341G>A (NM_001164098.2); c.1043-6341G>A (NM_001126336.3); short protein forms E1078K, E2065K.
Identifiers: ClinVar variation 1353558 (VCV001353558.8), dbSNP rs750641712, ClinGen allele CA3333448.
Genomic context (GRCh38, chr5:83,539,196, plus strand): 5'-TTGGGAGAAGTGGGTACTGTCAATGAAATTGATAGAAGATCCACCATTTTACCAACAGCA[G>A]AAGTGGAAGGTACGAAAGCTCCAGTAGAGAAGGAGGAAGTAAAGGTCAGTGGCACAGTTT-3'
Protein context (NP_004376.2, residues 2055-2075): DRRSTILPTA[Glu2065Lys]VEGTKAPVEK